The following is an entry in ClinVar:

NM_000516.7(GNAS):c.809_810del (p.Leu270fs)

Gene: GNAS (GNAS complex locus; plus strand). Cytogenetic location: 20q13.32.
Variant type: Deletion.
Coding change: c.809_810del on transcript NM_000516.7 (MANE Select); coding-DNA positions 809 to 810, 2 bases deleted (TG; older notation c.809_810delTG).
Protein change: p.Leu270fs; shifts the reading frame from leucine 270.
Molecular consequence: frameshift variant. On other transcripts: 3 prime UTR variant (2).
Genome position (GRCh38, 1-based): chr20:58,909,774-58,909,775, TG deleted. VCF-style (leftmost placement, unchanged base first): chr20-58909773-CTG-C. GRCh37 (hg19) VCF-style: chr20-57484828-CTG-C.
Other names: c.812_813del, p.Leu271fs (NM_001077488.5); c.764_765del, p.Leu255fs (NM_001077489.4); c.*670_*671del (NM_001077490.3); c.632_633del, p.Leu211fs (NM_001309840.2, NM_001309861.2); c.713_714del, p.Leu238fs (NM_001410912.1); c.2693_2694del, p.Leu898fs (NM_001410913.1); c.*715_*716del (NM_016592.5); c.2738_2739del, p.Leu913fs (NM_080425.4); and 1 more; short protein forms L211fs, L238fs, L255fs, L256fs, L270fs, L271fs, L898fs, L913fs.
Identifiers: ClinVar variation 3384064 (VCV003384064.1).

ClinVar aggregate classification (germline): Pathogenic (1 of 4 stars; one submission).

Conditions:
Pseudohypoparathyroidism type I A (PHP1A). Also called: PHP IA; Pseudohypoparathyroidism type 1A; ALBRIGHT HEREDITARY OSTEODYSTROPHY WITH MULTIPLE HORMONE RESISTANCE; Pseudohypoparathyroidism Type IA; Pseudohypoparathyroidism Ia (PHP-Ia). Identifiers: Orphanet 79443, MedGen C3494506, MONDO:0007078, OMIM 103580.

Submission:

Dubai Health Genomic Medicine Center, Dubai Health
Classification: Pathogenic for Pseudohypoparathyroidism 1A. Last evaluated: 2024-10-04. Review status: criteria provided, single submitter. Criteria: ACMG Guidelines, 2015. Collection method: research. Allele origin: germline. Affected: yes.
Comment: PVS1,PP4,PM2